The following is an entry in ClinVar:

NM_024675.4(PALB2):c.2964A>G (p.Gln988=)

Gene: PALB2 (partner and localizer of BRCA2; minus strand). Cytogenetic location: 16p12.2.
Variant type: single nucleotide variant.
Coding change: c.2964A>G on transcript NM_024675.4 (MANE Select); coding-DNA position 2964, A replaced by G.
Protein change: p.Gln988=; no amino-acid change (glutamine 988 retained).
Molecular consequence: synonymous variant.
Genome position (GRCh38, 1-based): chr16:23,623,001, T>C on the plus strand (A>G on the coding strand, the complement: PALB2 is on the minus strand). VCF-style: chr16-23623001-T-C. GRCh37 (hg19) VCF-style: chr16-23634322-T-C.
Identifiers: ClinVar variation 241557 (VCV000241557.23), dbSNP rs777244673, ClinGen allele CA7963460.

ClinVar aggregate classification (germline): Conflicting classifications of pathogenicity. Review status: criteria provided, conflicting classifications (1 of 4 stars). 6 submissions from 6 submitters: Uncertain significance (1); Likely benign (4). 1 of the submissions does not count toward it. Last evaluated 2025-07-31.

Conditions:
PALB2-related disorder. Also called: PALB2-related condition; PALB2-related disorders.
Hereditary cancer-predisposing syndrome. Also called: Tumor predisposition; Neoplastic Syndromes, Hereditary; Hereditary Cancer Syndrome; Hereditary neoplastic syndrome. Identifiers: Orphanet 140162, MedGen C0027672, MeSH D009386, MONDO:0015356.
Familial cancer of breast. Also called: Hereditary breast cancer; BREAST CANCER, FAMILIAL; hereditary breast carcinoma. Identifiers: Orphanet 227535, MedGen C0346153, MONDO:0016419, OMIM 114480. Disease mechanism: loss of function.

Allele frequency attached by ClinVar (database versions not stated): gnomAD exomes below 0.00001 and 0.00001; TOPMed below 0.00001; ExAC 0.00001.
gnomAD v4.1: 6 of 1,614,180 alleles (0.00037%); highest among the groups gnomAD compares: Non-Finnish European, 0.00051%; no homozygotes.

Submissions (6):

Labcorp Genetics (formerly Invitae), Labcorp
Classification: Likely benign for Familial cancer of breast. Last evaluated: 2025-07-31. Review status: criteria provided, single submitter. Criteria: Invitae Variant Classification Sherloc (09022015). Collection method: clinical testing. Allele origin: germline.

Quest Diagnostics Nichols Institute San Juan Capistrano
Classification: Uncertain significance. Last evaluated: 2024-10-10. Review status: criteria provided, single submitter. Criteria: Quest Diagnostics criteria. Collection method: clinical testing. Allele origin: unknown.
Comment: The PALB2 c.2964A>G (p.Gln988=) synonymous variant has not been reported in individuals with PALB2-related conditions in the published literature. The frequency of this variant in the general population, 0.000004 (1/251470 chromosomes (Genome Aggregation Database)), is uninformative in the assessment of its pathogenicity. Analysis of this variant using software algorithms for the prediction of the effect of nucleotide changes on PALB2 mRNA splicing yielded predictions that this variant may result in the gain of cryptic splice sites without affecting the natural splice sites. Based on the available information, we are unable to determine the clinical significance of this variant.

Color Diagnostics, LLC DBA Color Health
Classification: Likely benign for Hereditary cancer-predisposing syndrome. Last evaluated: 2022-11-15. Review status: criteria provided, single submitter. Criteria: ACMG Guidelines, 2015. Collection method: clinical testing. Allele origin: germline.

Women's Health and Genetics/Laboratory Corporation of America, LabCorp
Classification: Likely benign. Last evaluated: 2020-01-31. Review status: criteria provided, single submitter. Criteria: LabCorp Variant Classification Summary - May 2015. Collection method: clinical testing. Allele origin: germline.

Ambry Genetics
Classification: Likely benign for Hereditary cancer-predisposing syndrome. Last evaluated: 2016-07-17. Review status: criteria provided, single submitter. Criteria: Ambry Variant Classification Scheme 2023. Collection method: clinical testing. Allele origin: germline.

PreventionGenetics, part of Exact Sciences
Classification: Uncertain significance for PALB2-related condition. Last evaluated: 2024-04-25. Review status: no assertion criteria provided. Collection method: clinical testing. Allele origin: germline. Not counted in ClinVar's aggregate classification.
Comment: The PALB2 c.2964A>G variant is not predicted to result in an amino acid change (p.=). This variant is predicted to impact splicing based on splicing prediction programs (SpliceAI, Jaganathan K, et al. 2019. PubMed ID: 30661751). To our knowledge, this variant has not been reported in the literature. This variant is reported in 0.00088% of alleles in individuals of European (Non-Finnish) descent in gnomAD. At this time, the clinical significance of this variant is uncertain due to the absence of conclusive functional and genetic evidence.